The following is an entry in ClinVar:

ClinVar aggregate classification (germline): Uncertain significance (1 of 4 stars; one submission).

Allele frequency attached by ClinVar (database versions not stated): gnomAD exomes below 0.00001; TOPMed 0.00001; ExAC 0.00002; gnomAD 0.00003.
gnomAD v4.1: 7 of 1,611,472 alleles (0.00043%); highest among the groups gnomAD compares: East Asian, 0.011%; no homozygotes.

Submission:

Labcorp Genetics (formerly Invitae), Labcorp
Classification: Uncertain significance. Last evaluated: 2022-09-01. Review status: criteria provided, single submitter. Criteria: Invitae Variant Classification Sherloc (09022015). Collection method: clinical testing. Allele origin: germline.
Comment: This sequence change replaces leucine, which is neutral and non-polar, with serine, which is neutral and polar, at codon 364 of the UBA5 protein (p.Leu364Ser). This variant is present in population databases (rs745505299, gnomAD 0.04%). This variant has not been reported in the literature in individuals affected with UBA5-related conditions. Algorithms developed to predict the effect of missense changes on protein structure and function are either unavailable or do not agree on the potential impact of this missense change (SIFT: "Not Available"; PolyPhen-2: "Benign"; Align-GVGD: "Not Available"). In summary, the available evidence is currently insufficient to determine the role of this variant in disease. Therefore, it has been classified as a Variant of Uncertain Significance.

NM_024818.6(UBA5):c.1091T>C (p.Leu364Ser)

Genes: NPHP3-ACAD11 (NPHP3-ACAD11 readthrough (NMD candidate); minus strand), UBA5 (ubiquitin like modifier activating enzyme 5; plus strand). Cytogenetic location: 3q22.1.
Variant type: single nucleotide variant.
Coding change: c.1091T>C on transcript NM_024818.6 (MANE Select); coding-DNA position 1091, T replaced by C.
Protein change: p.Leu364Ser; replaces leucine 364 with serine.
Molecular consequence: missense variant.
Genome position (GRCh38, 1-based): chr3:132,675,883, T>C. VCF-style: chr3-132675883-T-C. GRCh37 (hg19) VCF-style: chr3-132394727-T-C.
Other names: c.923T>C, p.Leu308Ser (NM_001320210.2, NM_198329.4); c.821T>C, p.Leu274Ser (NM_001321238.2); c.755T>C, p.Leu252Ser (NM_001321239.1); short protein forms L252S, L308S, L274S, L364S.
Identifiers: ClinVar variation 1995930 (VCV001995930.1), dbSNP rs745505299, ClinGen allele CA2621536.